The following is an entry in ClinVar:

NM_000214.3(JAG1):c.573C>T (p.Tyr191=)

Gene: JAG1 (jagged canonical Notch ligand 1; minus strand). Cytogenetic location: 20p12.2.
Variant type: single nucleotide variant.
Coding change: c.573C>T on transcript NM_000214.3 (MANE Select); coding-DNA position 573, C replaced by T.
Protein change: p.Tyr191=; no amino-acid change (tyrosine 191 retained).
Molecular consequence: synonymous variant.
Genome position (GRCh38, 1-based): chr20:10,658,589, G>A on the plus strand (C>T on the coding strand, the complement: JAG1 is on the minus strand). VCF-style: chr20-10658589-G-A. GRCh37 (hg19) VCF-style: chr20-10639237-G-A.
Identifiers: ClinVar variation 668423 (VCV000668423.9), dbSNP rs766426780, ClinGen allele CA9765107.

ClinVar aggregate classification (germline): Likely benign. Review status: criteria provided, multiple submitters, no conflicts (2 of 4 stars). 2 submissions from 2 submitters: Likely benign (2). Last evaluated 2024-05-27.

Conditions:
Alagille syndrome due to a JAG1 point mutation. Also called: JAG1-Related Alagille Syndrome; HEPATIC DUCTULAR HYPOPLASIA, SYNDROMATIC; Alagille Syndrome 1. Identifiers: Orphanet 261619, Orphanet 52, MedGen C1956125, MONDO:0016862, OMIM 118450.

Allele frequency attached by ClinVar (database versions not stated): TOPMed below 0.00001; ExAC 0.00001; gnomAD 0.00001; gnomAD exomes 0.00001.
gnomAD v4.1: 4 of 1,614,126 alleles (0.00025%); highest among the groups gnomAD compares: East Asian, 0.0045%; no homozygotes.

Submissions (2):

Labcorp Genetics (formerly Invitae), Labcorp
Classification: Likely benign for Alagille syndrome due to a JAG1 point mutation. Last evaluated: 2024-05-27. Review status: criteria provided, single submitter. Criteria: Invitae Variant Classification Sherloc (09022015). Collection method: clinical testing. Allele origin: germline.

GeneDx
Classification: Likely benign. Last evaluated: 2018-05-25. Review status: criteria provided, single submitter. Criteria: GeneDx Variant Classification (06012015). Collection method: clinical testing. Allele origin: germline. Affected: yes.
Comment: This variant is considered likely benign or benign based on one or more of the following criteria: it is a conservative change, it occurs at a poorly conserved position in the protein, it is predicted to be benign by multiple in silico algorithms, and/or has population frequency not consistent with disease.